The following is an entry in ClinVar:

ClinVar aggregate classification (germline): Uncertain significance (1 of 4 stars; one submission).

Submission:

Labcorp Genetics (formerly Invitae), Labcorp
Classification: Uncertain significance. Last evaluated: 2022-07-19. Review status: criteria provided, single submitter. Criteria: Invitae Variant Classification Sherloc (09022015). Collection method: clinical testing. Allele origin: germline.
Comment: In summary, the available evidence is currently insufficient to determine the role of this variant in disease. Therefore, it has been classified as a Variant of Uncertain Significance. Algorithms developed to predict the effect of missense changes on protein structure and function (SIFT, PolyPhen-2, Align-GVGD) all suggest that this variant is likely to be tolerated. ClinVar contains an entry for this variant (Variation ID: 1446115). This variant has not been reported in the literature in individuals affected with DIP2C-related conditions. This variant is not present in population databases (gnomAD no frequency). This sequence change replaces isoleucine, which is neutral and non-polar, with threonine, which is neutral and polar, at codon 219 of the DIP2C protein (p.Ile219Thr).

NM_014974.3(DIP2C):c.656T>C (p.Ile219Thr)

Gene: DIP2C (DIP2 acetate--CoA ligase C (putative); minus strand). Cytogenetic location: 10p15.3.
Variant type: single nucleotide variant.
Coding change: c.656T>C on transcript NM_014974.3 (MANE Select); coding-DNA position 656, T replaced by C.
Protein change: p.Ile219Thr; replaces isoleucine 219 with threonine.
Molecular consequence: missense variant.
Genome position (GRCh38, 1-based): chr10:419,148, A>G on the plus strand (T>C on the coding strand, the complement: DIP2C is on the minus strand). VCF-style: chr10-419148-A-G. GRCh37 (hg19) VCF-style: chr10-465088-A-G.
Other names: short protein forms I219T.
Identifiers: ClinVar variation 1446115 (VCV001446115.8), dbSNP rs2133142948, ClinGen allele CA375833901.